The following is an entry in ClinVar:

NM_004329.3(BMPR1A):c.662G>A (p.Gly221Glu)

Gene: BMPR1A (bone morphogenetic protein receptor type 1A; plus strand). Cytogenetic location: 10q23.2.
Variant type: single nucleotide variant.
Coding change: c.662G>A on transcript NM_004329.3 (MANE Select); coding-DNA position 662, G replaced by A.
Protein change: p.Gly221Glu; replaces glycine 221 with glutamic acid.
Molecular consequence: missense variant.
Genome position (GRCh38, 1-based): chr10:86,912,371, G>A. VCF-style: chr10-86912371-G-A. GRCh37 (hg19) VCF-style: chr10-88672128-G-A.
Other names: short protein forms G221E.
Identifiers: ClinVar variation 630734 (VCV000630734.13), dbSNP rs1564722001, ClinGen allele CA377455160.

ClinVar aggregate classification (germline): Uncertain significance. Review status: criteria provided, multiple submitters, no conflicts (2 of 4 stars). 3 submissions from 3 submitters: Uncertain significance (3). Last evaluated 2026-03-07.

Conditions:
Juvenile polyposis syndrome (JPS). Identifiers: Orphanet 2929, MedGen C0345893, MONDO:0017380, OMIM 174900.
Polyposis syndrome, hereditary mixed, 2. Identifiers: Orphanet 157794, MedGen C1864730, MONDO:0012405, OMIM 610069.
Hereditary cancer-predisposing syndrome. Also called: Hereditary Cancer Syndrome; Hereditary neoplastic syndrome; Tumor predisposition; Neoplastic Syndromes, Hereditary. Identifiers: Orphanet 140162, MedGen C0027672, MeSH D009386, MONDO:0015356.

Submissions (3):

Dasa
Classification: Uncertain significance for Polyposis syndrome, hereditary mixed, 2. Last evaluated: 2026-03-07. Review status: criteria provided, single submitter. Criteria: DASA Assertion Criteria. Collection method: clinical testing. Allele origin: germline.
Comment: NM_004329.3(BMPR1A):c.662G>A (p.Gly221Glu) is a missense variant that results in the substitution of glycine with glutamic acid. This variant is rare in population databases. Computational prediction algorithms are consistent with a deleterious effect. The currently available literature and clinical evidence are not sufficient to establish a definitive association between this variant and the reported condition. Therefore, this variant is classified as a variant of uncertain significance.

Labcorp Genetics (formerly Invitae), Labcorp
Classification: Uncertain significance for Juvenile polyposis syndrome. Last evaluated: 2022-09-12. Review status: criteria provided, single submitter. Criteria: Invitae Variant Classification Sherloc (09022015). Collection method: clinical testing. Allele origin: germline.
Comment: ClinVar contains an entry for this variant (Variation ID: 630734). In summary, the available evidence is currently insufficient to determine the role of this variant in disease. Therefore, it has been classified as a Variant of Uncertain Significance. Advanced modeling of experimental studies (such as gene expression, population dynamics, functional pathways, and cell-cycle effects in cell culture) performed at Invitae indicates that this missense variant is not expected to disrupt BMPR1A protein function. This variant has not been reported in the literature in individuals affected with BMPR1A-related conditions. This variant is not present in population databases (gnomAD no frequency). This sequence change replaces glycine, which is neutral and non-polar, with glutamic acid, which is acidic and polar, at codon 221 of the BMPR1A protein (p.Gly221Glu).

Color Diagnostics, LLC DBA Color Health
Classification: Uncertain significance for Hereditary cancer-predisposing syndrome. Last evaluated: 2018-10-31. Review status: criteria provided, single submitter. Criteria: ACMG Guidelines, 2015. Collection method: clinical testing. Allele origin: germline.